The following is an entry in ClinVar:

NM_001042492.3(NF1):c.61-11_61-2del

Gene: NF1 (neurofibromin 1; plus strand). Cytogenetic location: 17q11.2.
Variant type: Deletion.
Coding change: c.61-11_61-2del on transcript NM_001042492.3 (MANE Select); 11 bases into the intron before coding-DNA position 61 through the canonical splice acceptor site of the intron before coding-DNA position 61, 10 bases deleted (TTTTTTTTCA; older notation c.61-11_61-2delTTTTTTTTCA).
Molecular consequence: splice acceptor variant.
Genome position (GRCh38, 1-based): chr17:31,155,972-31,155,981, TTTTTTTTCA deleted. VCF-style (leftmost placement, unchanged base first): chr17-31155971-TTTTTTTTTCA-T. GRCh37 (hg19) VCF-style: chr17-29482989-TTTTTTTTTCA-T.
Other names: c.61-11_61-2del (NM_000267.4, NM_001128147.3).
Identifiers: ClinVar variation 981529 (VCV000981529.1), dbSNP rs2065653850, ClinGen allele CA1139665288.

ClinVar aggregate classification (germline): Pathogenic (1 of 4 stars; one submission).

Conditions:
Neurofibromatosis, type 1 (NF1). Also called: VON RECKLINGHAUSEN DISEASE; NEUROFIBROMATOSIS, TYPE I, SOMATIC; Peripheral type neurofibromatosis; Neurofibromatosis, type I. Identifiers: Orphanet 636, MedGen C0027831, MONDO:0018975, OMIM 162200. Disease mechanism: loss of function.

Submission:

Johns Hopkins Genomics, Johns Hopkins University
Classification: Pathogenic for Neurofibromatosis, type 1. Last evaluated: 2020-09-14. Review status: criteria provided, single submitter. Criteria: ACMG Guidelines, 2015. Collection method: clinical testing. Allele origin: germline.
Comment: This NF1 variant is absent in a large population dataset and has not been reported in ClinVar, nor the literature in association with neurofibromatosis to our knowledge. This 10-bp deletion (TTTTTTTTCA) is predicted to disrupt the native acceptor (3') splice site for exon 2. We consider c.61-11_61-2del to be pathogenic.

Literature cited by the submitters: PubMed 20301288; PubMed 31397088; PubMed 4633999.